The following is an entry in ClinVar:

NM_005529.7(HSPG2):c.5054G>A (p.Arg1685Gln)

Gene: HSPG2 (heparan sulfate proteoglycan 2; minus strand). Cytogenetic location: 1p36.12.
Variant type: single nucleotide variant.
Coding change: c.5054G>A on transcript NM_005529.7 (MANE Select); coding-DNA position 5054, G replaced by A.
Protein change: p.Arg1685Gln; replaces arginine 1685 with glutamine.
Molecular consequence: missense variant.
Genome position (GRCh38, 1-based): chr1:21,859,963, C>T on the plus strand (G>A on the coding strand, the complement: HSPG2 is on the minus strand). VCF-style: chr1-21859963-C-T. GRCh37 (hg19) VCF-style: chr1-22186456-C-T.
Other names: c.5057G>A, p.Arg1686Gln (NM_001291860.2); short protein forms R1686Q, R1685Q.
Identifiers: ClinVar variation 1913932 (VCV001913932.5), dbSNP rs1442381853, ClinGen allele CA338947395.

ClinVar aggregate classification (germline): Uncertain significance (1 of 4 stars; one submission).

Allele frequency attached by ClinVar (database versions not stated): TOPMed below 0.00001; gnomAD exomes 0.00001.
gnomAD v4.1: 10 of 1,610,886 alleles (0.00062%); highest among the groups gnomAD compares: Admixed American, 0.0017%; no homozygotes.

Submission:

Labcorp Genetics (formerly Invitae), Labcorp
Classification: Uncertain significance. Last evaluated: 2024-04-22. Review status: criteria provided, single submitter. Criteria: Invitae Variant Classification Sherloc (09022015). Collection method: clinical testing. Allele origin: germline.
Comment: This sequence change replaces arginine, which is basic and polar, with glutamine, which is neutral and polar, at codon 1685 of the HSPG2 protein (p.Arg1685Gln). This variant is present in population databases (no rsID available, gnomAD 0.003%). This variant has not been reported in the literature in individuals affected with HSPG2-related conditions. ClinVar contains an entry for this variant (Variation ID: 1913932). Algorithms developed to predict the effect of missense changes on protein structure and function output the following: SIFT: "Not Available"; PolyPhen-2: "Benign"; Align-GVGD: "Not Available". The glutamine amino acid residue is found in multiple mammalian species, which suggests that this missense change does not adversely affect protein function. Algorithms developed to predict the effect of sequence changes on RNA splicing suggest that this variant may disrupt the consensus splice site. In summary, the available evidence is currently insufficient to determine the role of this variant in disease. Therefore, it has been classified as a Variant of Uncertain Significance.